The following is an entry in ClinVar:

ClinVar aggregate classification (germline): Uncertain significance (1 of 4 stars; one submission).

Conditions:
Glycogen storage disease IXa1. Also called: LIVER GLYCOGENOSIS, X-LINKED, TYPE I; GLYCOGEN STORAGE DISEASE VIII; GSD VIII; Glycogen storage disease 8. Identifiers: Orphanet 264580, MedGen C3694531, MONDO:0010598, OMIM 306000.

gnomAD v4.1: 1 of 1,206,047 alleles (0.000083%); highest among the groups gnomAD compares: East Asian, 0.003%; no homozygotes.

Submission:

Juno Genomics, Hangzhou Juno Genomics, Inc
Classification: Uncertain significance for Glycogen storage disease IXa1. Review status: criteria provided, single submitter. Criteria: ACMG Guidelines, 2015. Collection method: clinical testing. Allele origin: germline.
Comment: Absent from controls (or at extremely low frequency if recessive) in Genome Aggregation Database.

NM_000292.3(PHKA2):c.2988G>C (p.Glu996Asp)

Gene: PHKA2 (phosphorylase kinase regulatory subunit alpha 2; minus strand). Cytogenetic location: Xp22.13.
Variant type: single nucleotide variant.
Coding change: c.2988G>C on transcript NM_000292.3 (MANE Select); coding-DNA position 2988, G replaced by C.
Protein change: p.Glu996Asp; replaces glutamic acid 996 with aspartic acid.
Molecular consequence: missense variant.
Genome position (GRCh38, 1-based): chrX:18,901,524, C>G on the plus strand (G>C on the coding strand, the complement: PHKA2 is on the minus strand). VCF-style: chrX-18901524-C-G. GRCh37 (hg19) VCF-style: chrX-18919642-C-G.
Other names: c.2988G>C, p.Glu996Asp (NM_001440800.1, NM_001440801.1, NM_001440805.1); c.2889G>C, p.Glu963Asp (NM_001440802.1, NM_001440803.1, NM_001440804.1); short protein forms E963D, E996D.
Identifiers: ClinVar variation 5007541 (VCV005007541.2).